The following is an entry in ClinVar:

NM_152266.5(FAAP24):c.417G>A (p.Glu139=)

Gene: FAAP24 (FA core complex associated protein 24; plus strand). Cytogenetic location: 19q13.11.
Variant type: single nucleotide variant.
Coding change: c.417G>A on transcript NM_152266.5 (MANE Select); coding-DNA position 417, G replaced by A.
Protein change: p.Glu139=; no amino-acid change (glutamic acid 139 retained).
Molecular consequence: synonymous variant.
Genome position (GRCh38, 1-based): chr19:32,976,451, G>A. VCF-style: chr19-32976451-G-A. GRCh37 (hg19) VCF-style: chr19-33467357-G-A.
Other names: c.132G>A, p.Glu44= (NM_001300978.2).
Identifiers: ClinVar variation 2628125 (VCV002628125.2), dbSNP rs2304102, ClinGen allele CA9360151.

ClinVar aggregate classification (germline): Benign (1 of 4 stars; one submission).

Allele frequency attached by ClinVar (database versions not stated): ESP Exome Variant Server 0.37821; gnomAD 0.39983; ExAC 0.40288; TOPMed 0.41056; 1000 Genomes Project 0.42392; 1000 Genomes Project 30x 0.42442.
gnomAD v4.1: 612,170 of 1,613,660 alleles (38%); highest among the groups gnomAD compares: Admixed American, 57%; 118,130 homozygotes.

Submission:

Unidad de Genómica Garrahan, Hospital de Pediatría Garrahan
Classification: Benign. Last evaluated: 2023-11-12. Review status: criteria provided, single submitter. Criteria: ACMG Guidelines, 2015. Collection method: clinical testing. Allele origin: germline. Affected: no. Observed: 69 variant alleles.
Comment: This variant is classified as Benign based on local population frequency. This variant was detected in 72% of patients studied by a panel of primary immunodeficiencies. Number of patients: 69. Only high quality variants are reported.